The following is an entry in ClinVar:

NM_016252.4(BIRC6):c.13101C>T (p.Ser4367=)

Gene: BIRC6 (baculoviral IAP repeat containing 6; plus strand). Cytogenetic location: 2p22.3.
Variant type: single nucleotide variant.
Coding change: c.13101C>T on transcript NM_016252.4 (MANE Select); coding-DNA position 13101, C replaced by T.
Protein change: p.Ser4367=; no amino-acid change (serine 4367 retained).
Molecular consequence: synonymous variant.
Genome position (GRCh38, 1-based): chr2:32,549,438, C>T. VCF-style: chr2-32549438-C-T. GRCh37 (hg19) VCF-style: chr2-32774505-C-T.
Other names: c.13098C>T, p.Ser4366= (NM_001378125.1).
Identifiers: ClinVar variation 783116 (VCV000783116.7), dbSNP rs61754202, ClinGen allele CA1605439.
Genomic context (GRCh38, chr2:32,549,438, plus strand): 5'-GACTAGAGGGCAGAACAGTAATGCCCTTCCTTCTGTACTTCTCGAGCTTCTCAGTCAGTC[C>T]TGCCTCATCCCAGCCATGTCATCTTATCTACGAAATGATTCAGGTAAATAATCCCTGTAA-3'
Protein context (NP_057336.3, residues 4357-4377): PSVLLELLSQ[Ser4367=]CLIPAMSSYL

ClinVar aggregate classification (germline): Benign. Review status: criteria provided, multiple submitters, no conflicts (2 of 4 stars). 3 submissions from 3 submitters: Benign (2). 1 of the submissions does not count toward it. Last evaluated 2019-12-31.

Conditions:
BIRC6-related disorder. Also called: BIRC6-related condition.

Allele frequency attached by ClinVar (database versions not stated): 1000 Genomes Project 0.00459; 1000 Genomes Project 30x 0.00468; gnomAD exomes 0.00853 and 0.01264; ESP Exome Variant Server 0.01061; ExAC 0.00832; gnomAD 0.00837 and 0.00851; TOPMed 0.00874.
gnomAD v4.1: 18,053 of 1,480,524 alleles (1.2%); highest among the groups gnomAD compares: Non-Finnish European, 1.5%; 141 homozygotes.

Submissions (3):

Labcorp Genetics (formerly Invitae), Labcorp
Classification: Benign. Last evaluated: 2019-12-31. Review status: criteria provided, single submitter. Criteria: Invitae Variant Classification Sherloc (09022015). Collection method: clinical testing. Allele origin: germline.

Breakthrough Genomics
Classification: Benign. Review status: criteria provided, single submitter. Criteria: ACMG Guidelines, 2015. Collection method: not provided. Allele origin: germline. Inheritance: Unknown mechanism. Affected: yes.

PreventionGenetics, part of Exact Sciences
Classification: Benign for BIRC6-related condition. Last evaluated: 2019-03-26. Review status: no assertion criteria provided. Collection method: clinical testing. Allele origin: germline. Not counted in ClinVar's aggregate classification.
Comment: This variant is classified as benign based on ACMG/AMP sequence variant interpretation guidelines (Richards et al. 2015 PMID: 25741868, with internal and published modifications).